The following is an entry in ClinVar:

NM_014795.4(ZEB2):c.2769C>G (p.Tyr923Ter)

Gene: ZEB2 (zinc finger E-box binding homeobox 2; minus strand). Cytogenetic location: 2q22.3.
Variant type: single nucleotide variant.
Coding change: c.2769C>G on transcript NM_014795.4 (MANE Select); coding-DNA position 2769, C replaced by G.
Protein change: p.Tyr923Ter; replaces tyrosine 923 with a stop codon.
Molecular consequence: nonsense.
Genome position (GRCh38, 1-based): chr2:144,398,418, G>C on the plus strand (C>G on the coding strand, the complement: ZEB2 is on the minus strand). VCF-style: chr2-144398418-G-C. GRCh37 (hg19) VCF-style: chr2-145155985-G-C.
Other names: c.2697C>G, p.Tyr899Ter (NM_001171653.2); short protein forms Y923*, Y899*.
Identifiers: ClinVar variation 2203152 (VCV002203152.4), dbSNP rs2549105695, ClinGen allele CA348707045.

ClinVar aggregate classification (germline): Pathogenic (1 of 4 stars; one submission).

Conditions:
Mowat-Wilson syndrome (MOWS). Also called: Classic Mowat-Wilson Syndrome. Identifiers: Orphanet 2152, MedGen C1856113, MONDO:0009341, OMIM 235730.

Submission:

Labcorp Genetics (formerly Invitae), Labcorp
Classification: Pathogenic for Mowat-Wilson syndrome. Last evaluated: 2022-08-27. Review status: criteria provided, single submitter. Criteria: Invitae Variant Classification Sherloc (09022015). Collection method: clinical testing. Allele origin: germline.
Comment: For these reasons, this variant has been classified as Pathogenic. This premature translational stop signal has been observed in individual(s) with Mowat-Wilson syndrome (PMID: 17203459). This variant is not present in population databases (gnomAD no frequency). This sequence change creates a premature translational stop signal (p.Tyr923*) in the ZEB2 gene. It is expected to result in an absent or disrupted protein product. Loss-of-function variants in ZEB2 are known to be pathogenic (PMID: 16053902).

Literature cited by the submitters: PubMed 17203459; PubMed 16053902.